The following is an entry in ClinVar:

ClinVar aggregate classification (germline): Uncertain significance (1 of 4 stars; one submission).

gnomAD v4.1: 7 of 1,613,648 alleles (0.00043%); highest among the groups gnomAD compares: South Asian, 0.0022%; no homozygotes.

Submission:

Labcorp Genetics (formerly Invitae), Labcorp
Classification: Uncertain significance. Last evaluated: 2025-12-23. Review status: criteria provided, single submitter. Criteria: Invitae Variant Classification Sherloc (09022015). Collection method: clinical testing. Allele origin: germline.
Comment: This sequence change replaces glutamine, which is neutral and polar, with histidine, which is basic and polar, at codon 528 of the MYLK3 protein (p.Gln528His). This variant is not present in population databases (gnomAD no frequency). This variant has not been reported in the literature in individuals affected with MYLK3-related conditions. An algorithm developed to predict the effect of missense changes on protein structure and function (PolyPhen-2) suggests that this variant is likely to be disruptive. Algorithms developed to predict the effect of sequence changes on RNA splicing suggest that this variant may create or strengthen a splice site. In summary, the available evidence is currently insufficient to determine the role of this variant in disease. Therefore, it has been classified as a Variant of Uncertain Significance.

NM_182493.3(MYLK3):c.1584G>T (p.Gln528His)

Gene: MYLK3 (myosin light chain kinase 3; minus strand). Cytogenetic location: 16q11.2.
Variant type: single nucleotide variant.
Coding change: c.1584G>T on transcript NM_182493.3 (MANE Select); coding-DNA position 1584, G replaced by T.
Protein change: p.Gln528His; replaces glutamine 528 with histidine.
Molecular consequence: missense variant.
Genome position (GRCh38, 1-based): chr16:46,729,672, C>A on the plus strand (G>T on the coding strand, the complement: MYLK3 is on the minus strand). VCF-style: chr16-46729672-C-A. GRCh37 (hg19) VCF-style: chr16-46763584-C-A.
Other names: c.561G>T, p.Gln187His (NM_001308301.1); short protein forms Q528H, Q187H.
Identifiers: ClinVar variation 4765738 (VCV004765738.1).